The following is an entry in ClinVar:

NM_006389.5(HYOU1):c.2795C>T (p.Ala932Val)

Gene: HYOU1 (hypoxia up-regulated 1; minus strand). Cytogenetic location: 11q23.3.
Variant type: single nucleotide variant.
Coding change: c.2795C>T on transcript NM_006389.5 (MANE Select); coding-DNA position 2795, C replaced by T.
Protein change: p.Ala932Val; replaces alanine 932 with valine.
Molecular consequence: missense variant.
Genome position (GRCh38, 1-based): chr11:119,046,603, G>A on the plus strand (C>T on the coding strand, the complement: HYOU1 is on the minus strand). VCF-style: chr11-119046603-G-A. GRCh37 (hg19) VCF-style: chr11-118917315-G-A.
Other names: c.2795C>T, p.Ala932Val (NM_001130991.3, NM_001411041.1); short protein forms A932V.
Identifiers: ClinVar variation 1721791 (VCV001721791.5), dbSNP rs2497093207, ClinGen allele CA382918501.

ClinVar aggregate classification (germline): Uncertain significance (1 of 4 stars; one submission).

Submission:

Labcorp Genetics (formerly Invitae), Labcorp
Classification: Uncertain significance. Last evaluated: 2022-10-17. Review status: criteria provided, single submitter. Criteria: Invitae Variant Classification Sherloc (09022015). Collection method: clinical testing. Allele origin: germline.
Comment: This variant has not been reported in the literature in individuals affected with HYOU1-related conditions. This variant is not present in population databases (gnomAD no frequency). This sequence change replaces alanine, which is neutral and non-polar, with valine, which is neutral and non-polar, at codon 932 of the HYOU1 protein (p.Ala932Val). Algorithms developed to predict the effect of missense changes on protein structure and function are either unavailable or do not agree on the potential impact of this missense change (SIFT: "Not Available"; PolyPhen-2: "Benign"; Align-GVGD: "Not Available"). In summary, the available evidence is currently insufficient to determine the role of this variant in disease. Therefore, it has been classified as a Variant of Uncertain Significance.